The following is an entry in ClinVar:

ClinVar aggregate classification (germline): Uncertain significance (1 of 4 stars; one submission).

Conditions:
Primary ciliary dyskinesia. Also called: Ciliary dyskinesia. Identifiers: Orphanet 244, MedGen C0008780, MONDO:0016575, HP:0012265.

Allele frequency attached by ClinVar (database versions not stated): gnomAD 0.00001.
gnomAD v4.1: 15 of 1,614,010 alleles (0.00093%); highest among the groups gnomAD compares: Middle Eastern, 0.033%; no homozygotes.

Submission:

Labcorp Genetics (formerly Invitae), Labcorp
Classification: Uncertain significance for Primary ciliary dyskinesia. Last evaluated: 2023-12-18. Review status: criteria provided, single submitter. Criteria: Invitae Variant Classification Sherloc (09022015). Collection method: clinical testing. Allele origin: germline.
Comment: This sequence change replaces arginine, which is basic and polar, with histidine, which is basic and polar, at codon 398 of the DNAH8 protein (p.Arg398His). This variant is not present in population databases (gnomAD no frequency). This variant has not been reported in the literature in individuals affected with DNAH8-related conditions. ClinVar contains an entry for this variant (Variation ID: 1377312). Algorithms developed to predict the effect of missense changes on protein structure and function output the following: SIFT: "Not Available"; PolyPhen-2: "Not Available"; Align-GVGD: "Not Available". The histidine amino acid residue is found in multiple mammalian species, which suggests that this missense change does not adversely affect protein function. In summary, the available evidence is currently insufficient to determine the role of this variant in disease. Therefore, it has been classified as a Variant of Uncertain Significance.

NM_001206927.2(DNAH8):c.1193G>A (p.Arg398His)

Gene: DNAH8 (dynein axonemal heavy chain 8; plus strand). Cytogenetic location: 6p21.2.
Variant type: single nucleotide variant.
Coding change: c.1193G>A on transcript NM_001206927.2 (MANE Select); coding-DNA position 1193, G replaced by A.
Protein change: p.Arg398His; replaces arginine 398 with histidine.
Molecular consequence: missense variant.
Genome position (GRCh38, 1-based): chr6:38,741,787, G>A. VCF-style: chr6-38741787-G-A. GRCh37 (hg19) VCF-style: chr6-38709563-G-A.
Other names: c.542G>A, p.Arg181His (NM_001371.4); short protein forms R181H, R398H.
Identifiers: ClinVar variation 1377312 (VCV001377312.4), dbSNP rs1051264232, ClinGen allele CA137574583.